The following is an entry in ClinVar:

NM_003482.4(KMT2D):c.868G>T (p.Val290Phe)

Gene: KMT2D (lysine methyltransferase 2D; minus strand). Cytogenetic location: 12q13.12.
Variant type: single nucleotide variant.
Coding change: c.868G>T on transcript NM_003482.4 (MANE Select); coding-DNA position 868, G replaced by T.
Protein change: p.Val290Phe; replaces valine 290 with phenylalanine.
Molecular consequence: missense variant.
Genome position (GRCh38, 1-based): chr12:49,053,293, C>A on the plus strand (G>T on the coding strand, the complement: KMT2D is on the minus strand). VCF-style: chr12-49053293-C-A. GRCh37 (hg19) VCF-style: chr12-49447076-C-A.
Other names: short protein forms V290F.
Identifiers: ClinVar variation 4755620 (VCV004755620.1).

ClinVar aggregate classification (germline): Uncertain significance (1 of 4 stars; one submission).

Submission:

GeneDx
Classification: Uncertain significance. Last evaluated: 2025-08-06. Review status: criteria provided, single submitter. Criteria: GeneDx Variant Classification Process June 2021. Collection method: clinical testing. Allele origin: germline. Affected: yes.
Comment: Not observed at significant frequency in large population cohorts (gnomAD); In silico analysis supports that this missense variant has a deleterious effect on protein structure/function; Has not been previously published as pathogenic or benign to our knowledge